The following is an entry in ClinVar:

ClinVar aggregate classification (germline): Benign. Review status: criteria provided, multiple submitters, no conflicts (2 of 4 stars). 10 submissions from 8 submitters: Benign (10). Last evaluated 2026-02-04.

Conditions:
Schwartz-Jampel syndrome. Also called: Myotonic myopathy dwarfism chondrodystrophy and ocular and facial abnormalities. Identifiers: Orphanet 800, MedGen C0036391, MONDO:0009717.
Lethal Kniest-like syndrome (DDSH). Also called: Dyssegmental Dysplasia. Identifiers: Orphanet 1865, MedGen C1857100, MONDO:0009140, OMIM 224410.

Allele frequency attached by ClinVar (database versions not stated): ExAC 0.41753; ESP Exome Variant Server 0.42734; 1000 Genomes Project 30x 0.53732; TOPMed 0.46584; 1000 Genomes Project 0.53634.
gnomAD v4.1: 592,516 of 1,613,516 alleles (37%); highest among the groups gnomAD compares: African/African-American, 64%; 115,640 homozygotes.

Submissions (10):

Labcorp Genetics (formerly Invitae), Labcorp
Classification: Benign. Last evaluated: 2026-02-04. Review status: criteria provided, single submitter. Criteria: Invitae Variant Classification Sherloc (09022015). Collection method: clinical testing. Allele origin: germline.

ARUP Laboratories, Molecular Genetics and Genomics, ARUP Laboratories
Classification: Benign. Last evaluated: 2025-07-22. Review status: criteria provided, single submitter. Criteria: ARUP Molecular Germline Variant Investigation Process 2024. Collection method: clinical testing. Allele origin: germline.

Blueprint Genetics
Classification: Benign. Last evaluated: 2024-11-26. Review status: criteria provided, single submitter. Criteria: ACMG Guidelines, 2015. Collection method: clinical testing. Allele origin: germline.

Genome-Nilou Lab
Classification: Benign for Lethal Kniest-like syndrome. Last evaluated: 2021-08-10. Review status: criteria provided, single submitter. Criteria: ACMG Guidelines, 2015. Collection method: clinical testing. Allele origin: germline. Affected: no.

Genome-Nilou Lab
Classification: Benign for Schwartz-Jampel syndrome type 1. Last evaluated: 2021-08-10. Review status: criteria provided, single submitter. Criteria: ACMG Guidelines, 2015. Collection method: clinical testing. Allele origin: germline. Affected: no.

Athena Diagnostics
Classification: Benign. Last evaluated: 2019-02-21. Review status: criteria provided, single submitter. Criteria: Athena Diagnostics Criteria. Collection method: clinical testing. Allele origin: germline.

GeneDx
Classification: Benign. Last evaluated: 2018-08-10. Review status: criteria provided, single submitter. Criteria: GeneDx Variant Classification Process June 2021. Collection method: clinical testing. Allele origin: germline. Affected: yes.

Illumina Laboratory Services, Illumina
Classification: Benign for Lethal Kniest-like syndrome. Last evaluated: 2018-01-13. Review status: criteria provided, single submitter. Criteria: ICSL Variant Classification Criteria 13 December 2019. Collection method: clinical testing. Allele origin: germline.
Comment: This variant was observed in the ICSL laboratory as part of a predisposition screen in an ostensibly healthy population. It had not been previously curated by ICSL or reported in the Human Gene Mutation Database (HGMD: prior to June 1st, 2018), and was therefore a candidate for classification through an automated scoring system. Utilizing variant allele frequency, disease prevalence and penetrance estimates, and inheritance mode, an automated score was calculated to assess if this variant is too frequent to cause the disease. Based on the score and internal cut-off values, a variant classified as benign is not then subjected to further curation. The score for this variant resulted in a classification of benign for this disease.

Illumina Laboratory Services, Illumina
Classification: Benign for Schwartz-Jampel syndrome type 1. Last evaluated: 2018-01-13. Review status: criteria provided, single submitter. Criteria: ICSL Variant Classification Criteria 13 December 2019. Collection method: clinical testing. Allele origin: germline.
Comment: the same text as in the submission from Illumina Laboratory Services, Illumina above.

Breakthrough Genomics
Classification: Benign. Review status: criteria provided, single submitter. Criteria: ACMG Guidelines, 2015. Collection method: not provided. Allele origin: germline. Inheritance: Autosomal recessive inheritance. Affected: yes.

NM_005529.7(HSPG2):c.744T>C (p.Leu248=)

Gene: HSPG2 (heparan sulfate proteoglycan 2; minus strand). Cytogenetic location: 1p36.12.
Variant type: single nucleotide variant.
Coding change: c.744T>C on transcript NM_005529.7 (MANE Select); coding-DNA position 744, T replaced by C.
Protein change: p.Leu248=; no amino-acid change (leucine 248 retained).
Molecular consequence: synonymous variant.
Genome position (GRCh38, 1-based): chr1:21,887,634, A>G on the plus strand (T>C on the coding strand, the complement: HSPG2 is on the minus strand). VCF-style: chr1-21887634-A-G. GRCh37 (hg19) VCF-style: chr1-22214127-A-G.
Other names: c.744T>C, p.Leu248= (NM_001291860.2).
Identifiers: ClinVar variation 295909 (VCV000295909.33), dbSNP rs2229478, ClinGen allele CA673719.
Genomic context (GRCh38, chr1:21,887,634, plus strand): 5'-GACTGGTGGCTGTCGCATGATGGTTGTCTCTGGCCGGGGCGGTAAAGATGTCGTCTCCAC[A>G]AGGAGAGAGAATGTGGGGCTGATACCCAGGACTGGCTCCTCTGTGGATAGATTCCGCTTG-3'
Protein context (NP_005520.4, residues 238-258): VLGISPTFSL[Leu248=]VETTSLPPRP